The following is an entry in ClinVar:

NM_017780.4(CHD7):c.6251G>A (p.Ser2084Asn)

Gene: CHD7 (chromodomain helicase DNA binding protein 7; plus strand). Cytogenetic location: 8q12.2.
Variant type: single nucleotide variant.
Coding change: c.6251G>A on transcript NM_017780.4 (MANE Select); coding-DNA position 6251, G replaced by A.
Protein change: p.Ser2084Asn; replaces serine 2084 with asparagine.
Molecular consequence: missense variant. On other transcripts: intron variant (1).
Genome position (GRCh38, 1-based): chr8:60,852,976, G>A. VCF-style: chr8-60852976-G-A. GRCh37 (hg19) VCF-style: chr8-61765535-G-A.
Other names: c.6251G>A (NM_017780.3); c.1717-9253G>A (NM_001316690.1); short protein forms S2084N.
Identifiers: ClinVar variation 2863761 (VCV002863761.5), dbSNP rs1053438592, ClinGen allele CA177354058.

ClinVar aggregate classification (germline): Uncertain significance. Review status: criteria provided, multiple submitters, no conflicts (2 of 4 stars). 3 submissions from 3 submitters: Uncertain significance (3). Last evaluated 2024-09-27.

Conditions:
CHARGE syndrome (CHARGE). Also called: Hittner Hirsch Kreh syndrome; CHARGE ASSOCIATION--COLOBOMA, HEART ANOMALY, CHOANAL ATRESIA, RETARDATION, GENITAL AND EAR ANOMALIES; Coloboma, heart anomaly, choanal atresia, retardation, genital and ear anomalies; CHARGE association; Hall-Hittner syndrome. Identifiers: Orphanet 138, MedGen C0265354, MONDO:0008965.
Hypogonadotropic hypogonadism 5 with or without anosmia (KAL5). Also called: CHD7-Related GnRH Deficiency (Kallmann Syndrome 5); HYPOGONADOTROPIC HYPOGONADISM 5 WITH ANOSMIA; HYPOGONADOTROPHIC HYPOGONADISM 5 WITHOUT ANOSMIA. Identifiers: Orphanet 478, MedGen C3552553, MONDO:0012880, OMIM 612370. Disease mechanism: loss of function.
Inborn genetic diseases. Identifiers: MedGen C0950123, MeSH D030342.

Allele frequency attached by ClinVar (database versions not stated): gnomAD 0.00001; TOPMed 0.00001; gnomAD exomes 0.00002.
gnomAD v4.1: 30 of 1,613,898 alleles (0.0019%); highest among the groups gnomAD compares: Non-Finnish European, 0.0025%; no homozygotes.

Submissions (3):

Ambry Genetics
Classification: Uncertain significance for Inborn genetic diseases. Last evaluated: 2024-09-27. Review status: criteria provided, single submitter. Criteria: Ambry Variant Classification Scheme 2023. Collection method: clinical testing. Allele origin: germline.

Fulgent Genetics
Classification: Uncertain significance for CHD7-related CHARGE syndrome; Hypogonadotropic hypogonadism 5 with or without anosmia. Last evaluated: 2024-05-03. Review status: criteria provided, single submitter. Criteria: ACMG Guidelines, 2015. Collection method: clinical testing. Allele origin: germline.

Labcorp Genetics (formerly Invitae), Labcorp
Classification: Uncertain significance for CHARGE syndrome. Last evaluated: 2022-10-31. Review status: criteria provided, single submitter. Criteria: Invitae Variant Classification Sherloc (09022015). Collection method: clinical testing. Allele origin: germline.
Comment: This variant has not been reported in the literature in individuals affected with CHD7-related conditions. This sequence change replaces serine, which is neutral and polar, with asparagine, which is neutral and polar, at codon 2084 of the CHD7 protein (p.Ser2084Asn). This variant is not present in population databases (gnomAD no frequency). Advanced modeling of protein sequence and biophysical properties (such as structural, functional, and spatial information, amino acid conservation, physicochemical variation, residue mobility, and thermodynamic stability) performed at Invitae indicates that this missense variant is not expected to disrupt CHD7 protein function. In summary, the available evidence is currently insufficient to determine the role of this variant in disease. Therefore, it has been classified as a Variant of Uncertain Significance.